The following is an entry in ClinVar:

NM_019066.5(MAGEL2):c.1039G>C (p.Ala347Pro)

Gene: MAGEL2 (MAGE family member L2; minus strand). Cytogenetic location: 15q11.2.
Variant type: single nucleotide variant.
Coding change: c.1039G>C on transcript NM_019066.5 (MANE Select); coding-DNA position 1039, G replaced by C.
Protein change: p.Ala347Pro; replaces alanine 347 with proline.
Molecular consequence: missense variant.
Genome position (GRCh38, 1-based): chr15:23,646,704, C>G on the plus strand (G>C on the coding strand, the complement: MAGEL2 is on the minus strand). VCF-style: chr15-23646704-C-G. GRCh37 (hg19) VCF-style: chr15-23891851-C-G.
Other names: short protein forms A347P.
Identifiers: ClinVar variation 1010641 (VCV001010641.8), dbSNP rs868420655, ClinGen allele CA391335304.

ClinVar aggregate classification (germline): Uncertain significance (1 of 4 stars; one submission).

Submission:

Labcorp Genetics (formerly Invitae), Labcorp
Classification: Uncertain significance. Last evaluated: 2020-10-05. Review status: criteria provided, single submitter. Criteria: Invitae Variant Classification Sherloc (09022015). Collection method: clinical testing. Allele origin: germline.
Comment: This sequence change replaces alanine with proline at codon 347 of the MAGEL2 protein (p.Ala347Pro). The G nucleotide is moderately conserved and there is a small physicochemical difference between alanine and proline. In summary, the available evidence is currently insufficient to determine the role of this variant in disease. Therefore, it has been classified as a Variant of Uncertain Significance. Algorithms developed to predict the effect of missense changes on protein structure and function output the following: SIFT: "Not Available"; PolyPhen-2: "Not Available"; Align-GVGD: "Not Available". The proline amino acid residue is found in multiple mammalian species, suggesting that this missense change does not adversely affect protein function. These predictions have not been confirmed by published functional studies and their clinical significance is uncertain. This variant has not been reported in the literature in individuals with MAGEL2-related conditions. The frequency data for this variant in the population databases is considered unreliable, as metrics indicate insufficient coverage at this position in the ExAC database.